The following is an entry in ClinVar:

NM_002230.4(JUP):c.1359G>T (p.Glu453Asp)

Gene: JUP (junction plakoglobin; minus strand). Cytogenetic location: 17q21.2.
Variant type: single nucleotide variant.
Coding change: c.1359G>T on transcript NM_002230.4 (MANE Select); coding-DNA position 1359, G replaced by T.
Protein change: p.Glu453Asp; replaces glutamic acid 453 with aspartic acid.
Molecular consequence: missense variant.
Genome position (GRCh38, 1-based): chr17:41,763,121, C>A on the plus strand (G>T on the coding strand, the complement: JUP is on the minus strand). VCF-style: chr17-41763121-C-A. GRCh37 (hg19) VCF-style: chr17-39919373-C-A.
Other names: c.1359G>T, p.Glu453Asp (NM_001352773.2, NM_001352774.2, NM_001352775.2 and 3 more transcripts); short protein forms E453D.
Identifiers: ClinVar variation 933973 (VCV000933973.17), dbSNP rs376608339, ClinGen allele CA8565226.

ClinVar aggregate classification (germline): Conflicting classifications of pathogenicity. Review status: criteria provided, conflicting classifications (1 of 4 stars). 5 submissions from 5 submitters: Uncertain significance (4); Likely benign (1). Last evaluated 2026-10-15.

Conditions:
Naxos disease (NXD). Also called: KERATOSIS PALMOPLANTARIS WITH ARRHYTHMOGENIC CARDIOMYOPATHY; MAL DE NAXOS; PALMOPLANTAR KERATODERMA WITH ARRHYTHMOGENIC RIGHT VENTRICULAR CARDIOMYOPATHY AND WOOLLY HAIR; WOOLLY HAIR, PALMOPLANTAR KERATODERMA, AND CARDIAC ABNORMALITIES; CARDIOMYOPATHY, ARRHYTHMOGENIC RIGHT VENTRICULAR, WITH SKIN, HAIR, AND NAIL ABNORMALITIES. Identifiers: Orphanet 34217, MedGen C1832600, MONDO:0011017, OMIM 601214.
Arrhythmogenic right ventricular dysplasia 12. Also called: ARRHYTHMOGENIC RIGHT VENTRICULAR DYSPLASIA, FAMILIAL, 12. Identifiers: MedGen C1969081, MONDO:0012684, OMIM 611528.
Cardiovascular phenotype. Identifiers: MedGen CN230736.

Allele frequency attached by ClinVar (database versions not stated): gnomAD exomes 0.00001 and 0.00004; ExAC 0.00006; gnomAD 0.00004 and 0.00003; TOPMed 0.00002; ESP Exome Variant Server 0.00008.
gnomAD v4.1: 28 of 1,614,172 alleles (0.0017%); highest among the groups gnomAD compares: Non-Finnish European, 0.0021%; no homozygotes.

Submissions (5):

GeneDx
Classification: Uncertain significance. Last evaluated: 2026-10-15. Review status: criteria provided, single submitter. Criteria: GeneDx Variant Classification Process June 2021. Collection method: clinical testing. Allele origin: germline.
Comment: In silico analysis supports that this missense variant has a deleterious effect on protein structure/function; This variant is associated with the following publications: (PMID: 30453078, 33919104, 21606396, 36008935)

Labcorp Genetics (formerly Invitae), Labcorp
Classification: Uncertain significance for Arrhythmogenic right ventricular dysplasia 12; Naxos disease. Last evaluated: 2026-01-16. Review status: criteria provided, single submitter. Criteria: Invitae Variant Classification Sherloc (09022015). Collection method: clinical testing. Allele origin: germline.
Comment: This sequence change replaces glutamic acid, which is acidic and polar, with aspartic acid, which is acidic and polar, at codon 453 of the JUP protein (p.Glu453Asp). This variant is present in population databases (rs376608339, gnomAD 0.02%). This missense change has been observed in individual(s) with arrhythmogenic cardiomyopathy (PMID: 30453078). ClinVar contains an entry for this variant (Variation ID: 933973). An algorithm developed to predict the effect of missense changes on protein structure and function (PolyPhen-2) suggests that this variant is likely to be disruptive. In summary, the available evidence is currently insufficient to determine the role of this variant in disease. Therefore, it has been classified as a Variant of Uncertain Significance.

Victorian Clinical Genetics Services, Murdoch Childrens Research Institute
Classification: Uncertain significance for Arrhythmogenic right ventricular dysplasia 12. Last evaluated: 2025-02-03. Review status: criteria provided, single submitter. Criteria: ACMG Guidelines, 2015. Collection method: clinical testing. Allele origin: germline. Affected: yes.
Comment: This variant is classified as VUS-3B. Evidence in support of pathogenic classification: Variant is present in gnomAD <0.01 (v4: 28 heterozygote(s), 0 homozygote(s)) . Additional information: Variant is predicted to result in a missense amino acid change from glutamic acid to aspartic acid; This variant is heterozygous; Previous evidence of pathogenicity for this variant is inconclusive. This variant has been classified as VUS by clinical laboratories in ClinVar. It has also been reported in individuals with arrhythmogenic cardiomyopathy, classified as a VUS. Additionally, it has been reported in one case of sudden death whereby a cause of death was uncertain, it was also classified as VUS in this instance (PMIDs: 30453078, 33919104, 36008935, 21606396); No published segregation evidence has been identified for this variant; No published functional evidence has been identified for this variant; No comparable missense variants have previous evidence for pathogenicity; Variant is not located in an established domain, motif, hotspot or informative constraint region; Missense variant with inconclusive in silico prediction and uninformative conservation; Loss of function is a known mechanism of disease in this gene and is associated with arrhythmogenic right ventricular dysplasia 12 (MIM#611528) and Naxos disease (MIM#601214); Inheritance information for this variant is not currently available in this individual.

Ambry Genetics
Classification: Likely benign for Cardiovascular phenotype. Last evaluated: 2024-11-05. Review status: criteria provided, single submitter. Criteria: Ambry Variant Classification Scheme 2023. Collection method: clinical testing. Allele origin: germline.

Fulgent Genetics
Classification: Uncertain significance for Naxos disease; Arrhythmogenic right ventricular dysplasia 12. Last evaluated: 2022-04-06. Review status: criteria provided, single submitter. Criteria: ACMG Guidelines, 2015. Collection method: clinical testing. Allele origin: unknown.

Literature cited by the submitters: PubMed 30453078 (cited by 3 submitters); PubMed 33919104 (cited by Victorian Clinical Genetics Services, Murdoch Childrens Research Institute and Ambry Genetics); PubMed 21606396 (cited by Victorian Clinical Genetics Services, Murdoch Childrens Research Institute); PubMed 36008935 (cited by Victorian Clinical Genetics Services, Murdoch Childrens Research Institute and Ambry Genetics).